The following is an entry in ClinVar:

NC_000002.11:g.(?_178257518)_(179914668_?)del

Genes: AGPS (alkylglycerone phosphate synthase; plus strand), CCDC141 (coiled-coil domain containing 141; minus strand), FKBP7 (FKBP prolyl isomerase 7; minus strand), IFT70A (intraflagellar transport 70A; minus strand), IFT70B (intraflagellar transport 70B; minus strand) and 7 more. Cytogenetic location: 2q31.2.
Variant type: Deletion.
Identifiers: ClinVar variation 3247478 (VCV003247478.1).

ClinVar aggregate classification (germline): Pathogenic (1 of 4 stars; one submission).

Submission:

Labcorp Genetics (formerly Invitae), Labcorp
Classification: Pathogenic. Last evaluated: 2023-12-02. Review status: criteria provided, single submitter. Criteria: Invitae Variant Classification Sherloc (09022015). Collection method: clinical testing. Allele origin: unknown.
Comment: A gross deletion of the genomic region encompassing the full coding sequence of the DFNB59 gene has been identified. Loss-of-function variants in DFNB59 are known to be pathogenic (PMID: 17301963, 17718875). The boundaries of this event are unknown as they extend beyond the assayed region for this gene and therefore may encompass additional genes. This variant has not been reported in the literature in individuals affected with DFNB59-related conditions. For these reasons, this variant has been classified as Pathogenic.

Literature cited by the submitters: PubMed 17301963; PubMed 17718875.